The following is an entry in ClinVar:

NM_001159699.2(FHL1):c.449A>C (p.Gln150Pro)

Gene: FHL1 (four and a half LIM domains 1; plus strand). Cytogenetic location: Xq26.3.
Variant type: single nucleotide variant.
Coding change: c.449A>C on transcript NM_001159699.2 (MANE Select); coding-DNA position 449, A replaced by C.
Protein change: p.Gln150Pro; replaces glutamine 150 with proline.
Molecular consequence: missense variant. On other transcripts: non-coding transcript variant (1).
Genome position (GRCh38, 1-based): chrX:136,207,861, A>C. VCF-style: chrX-136207861-A-C. GRCh37 (hg19) VCF-style: chrX-135290020-A-C.
Other names: c.401A>C, p.Gln134Pro (NM_001159700.2, NM_001159702.3, NM_001159703.2 and 9 more transcripts); c.488A>C, p.Gln163Pro (NM_001159701.2); c.449A>C, p.Gln150Pro (NM_001330659.2); short protein forms Q150P, Q134P, Q163P.
Identifiers: ClinVar variation 1393994 (VCV001393994.6), dbSNP rs2148375919, ClinGen allele CA414608444.

ClinVar aggregate classification (germline): Uncertain significance (1 of 4 stars; one submission).

Conditions:
X-linked myopathy with postural muscle atrophy. Also called: FHL1-Related Emery-Dreifuss Muscular Dystrophy, X-Linked. Identifiers: Orphanet 178461, MedGen C2678055, MONDO:0010401, OMIM 300696.

Submission:

Labcorp Genetics (formerly Invitae), Labcorp
Classification: Uncertain significance for X-linked myopathy with postural muscle atrophy. Last evaluated: 2021-11-19. Review status: criteria provided, single submitter. Criteria: Invitae Variant Classification Sherloc (09022015). Collection method: clinical testing. Allele origin: germline.
Comment: In summary, the available evidence is currently insufficient to determine the role of this variant in disease. Therefore, it has been classified as a Variant of Uncertain Significance. Algorithms developed to predict the effect of missense changes on protein structure and function are either unavailable or do not agree on the potential impact of this missense change (SIFT: "Deleterious"; PolyPhen-2: "Possibly Damaging"; Align-GVGD: "Class C15"). This variant has not been reported in the literature in individuals affected with FHL1-related conditions. This variant is not present in population databases (gnomAD no frequency). This sequence change replaces glutamine, which is neutral and polar, with proline, which is neutral and non-polar, at codon 134 of the FHL1 protein (p.Gln134Pro).